The following is an entry in ClinVar:

NM_000152.5(GAA):c.58T>A (p.Ser20Thr)

Gene: GAA (alpha glucosidase; plus strand). Cytogenetic location: 17q25.3.
Variant type: single nucleotide variant.
Coding change: c.58T>A on transcript NM_000152.5 (MANE Select); coding-DNA position 58, T replaced by A.
Protein change: p.Ser20Thr; replaces serine 20 with threonine.
Molecular consequence: missense variant.
Genome position (GRCh38, 1-based): chr17:80,104,644, T>A. VCF-style: chr17-80104644-T-A. GRCh37 (hg19) VCF-style: chr17-78078443-T-A.
Other names: c.58T>A, p.Ser20Thr (NM_001079803.3, NM_001079804.3, NM_001406741.1 and 1 more transcripts); short protein forms S20T.
Identifiers: ClinVar variation 2147585 (VCV002147585.1), dbSNP rs1245858495, ClinGen allele CA401360089.

ClinVar aggregate classification (germline): Uncertain significance (1 of 4 stars; one submission).

Conditions:
Glycogen storage disease, type II (IOPD). Also called: POMPE DISEASE, INFANTILE-ONSET; GLYCOGEN STORAGE DISEASE II, INFANTILE-ONSET; ACID ALPHA-GLUCOSIDASE DEFICIENCY, INFANTILE-ONSET; GAA DEFICIENCY, INFANTILE-ONSET; ACID MALTASE DEFICIENCY, INFANTILE-ONSET; CARDIOMEGALIA GLYCOGENICA DIFFUSA. Identifiers: Orphanet 365, MedGen C0017921, MONDO:0009290, OMIM 232300.

Allele frequency attached by ClinVar (database versions not stated): TOPMed below 0.00001; gnomAD 0.00001; gnomAD exomes 0.00001.
gnomAD v4.1: 10 of 1,613,114 alleles (0.00062%); highest among the groups gnomAD compares: African/African-American, 0.0013%; no homozygotes.

Submission:

Labcorp Genetics (formerly Invitae), Labcorp
Classification: Uncertain significance for Glycogen storage disease, type II. Last evaluated: 2022-03-13. Review status: criteria provided, single submitter. Criteria: Invitae Variant Classification Sherloc (09022015). Collection method: clinical testing. Allele origin: germline.
Comment: This sequence change replaces serine, which is neutral and polar, with threonine, which is neutral and polar, at codon 20 of the GAA protein (p.Ser20Thr). This variant is present in population databases (no rsID available, gnomAD 0.004%). This variant has not been reported in the literature in individuals affected with GAA-related conditions. Advanced modeling of protein sequence and biophysical properties (such as structural, functional, and spatial information, amino acid conservation, physicochemical variation, residue mobility, and thermodynamic stability) performed at Invitae indicates that this missense variant is not expected to disrupt GAA protein function. In summary, the available evidence is currently insufficient to determine the role of this variant in disease. Therefore, it has been classified as a Variant of Uncertain Significance.